The following is an entry in ClinVar:

NM_001378452.1(ITPR1):c.7793T>C (p.Ile2598Thr)

Genes: ITPR1 (inositol 1,4,5-trisphosphate receptor type 1; plus strand), LOC126806590 (MED14-independent group 3 enhancer GRCh37_chr3:4855759-4856958; plus strand). Cytogenetic location: 3p26.1.
Variant type: single nucleotide variant.
Coding change: c.7793T>C on transcript NM_001378452.1 (MANE Select); coding-DNA position 7793, T replaced by C.
Protein change: p.Ile2598Thr; replaces isoleucine 2598 with threonine.
Molecular consequence: missense variant.
Genome position (GRCh38, 1-based): chr3:4,815,144, T>C. VCF-style: chr3-4815144-T-C. GRCh37 (hg19) VCF-style: chr3-4856828-T-C.
Other names: c.7649T>C, p.Ile2550Thr (NM_001099952.4); c.7748T>C, p.Ile2583Thr (NM_001168272.2); c.7604T>C, p.Ile2535Thr (NM_002222.7); c.7604T>C (NM_002222.6); short protein forms I2535T, I2583T, I2550T, I2598T.
Identifiers: ClinVar variation 559630 (VCV000559630.11), dbSNP rs1553758021, ClinGen allele CA351649720.

ClinVar aggregate classification (germline): Pathogenic/Likely pathogenic. Review status: criteria provided, multiple submitters, no conflicts (2 of 4 stars). 7 submissions from 7 submitters: Pathogenic (5); Likely pathogenic (1). 1 of the submissions does not count toward it. Last evaluated 2025-04-11.

Conditions:
ITPR1-related disorders.
Spinocerebellar ataxia type 29 (SCA29). Also called: CEREBELLAR ATAXIA, CONGENITAL NONPROGRESSIVE, AUTOSOMAL DOMINANT; Spinocerebellar ataxia 29, congenital nonprogressive. Identifiers: Orphanet 208513, MedGen C1861732, MONDO:0007298, OMIM 117360.
ITPR1-associated cerebellar ataxia spectrum disorder.

Submissions (7):

GeneDx
Classification: Pathogenic. Last evaluated: 2025-04-11. Review status: criteria provided, single submitter. Criteria: GeneDx Variant Classification Process June 2021. Collection method: clinical testing. Allele origin: germline. Affected: yes.
Comment: In silico analysis, which includes protein predictors and evolutionary conservation, supports a deleterious effect; Not observed in large population cohorts (gnomAD); This variant is associated with the following publications: (PMID: 28659154, 33163565, 29997391, 34445196, 35599849)

3billion
Classification: Pathogenic for Spinocerebellar ataxia type 29. Last evaluated: 2024-01-25. Review status: criteria provided, single submitter. Criteria: ACMG Guidelines, 2015. Collection method: clinical testing. Allele origin: germline. Affected: yes.
Comment: The variant is not observed in the gnomAD v2.1.1 dataset. Predicted Consequence/Location: Missense changes are a common disease-causing mechanism. In silico tool predictions suggest damaging effect of the variant on gene or gene product [REVEL: 0.90 (>=0.6, sensitivity 0.68 and specificity 0.92); 3Cnet: 0.92 (>=0.6, sensitivity 0.72 and precision 0.9)]. Same nucleotide change resulting in same amino acid change has been previously reported as pathogenic/likely pathogenic with strong evidence (ClinVar ID: VCV000559630 /PMID: 28659154 /3billion dataset). The variant has been previously reported as de novo in a similarly affected individual (PMID: 33163565). A different missense change at the same codon (p.Ile2598Asn) has been reported to be associated with ITPR1 related disorder (ClinVar ID: VCV000522562 /PMID: 27862915). Therefore, this variant is classified as Pathogenic according to the recommendation of ACMG/AMP guideline.

Revvity Omics, Revvity
Classification: Pathogenic. Last evaluated: 2022-04-11. Review status: criteria provided, single submitter. Criteria: ACMG Guidelines, 2015. Collection method: clinical testing. Allele origin: germline.

Athena Diagnostics
Classification: Likely pathogenic. Last evaluated: 2021-06-11. Review status: criteria provided, single submitter. Criteria: Athena Diagnostics Criteria. Collection method: clinical testing. Allele origin: unknown.
Comment: This variant has not been reported in large, multi-ethnic general populations. Computational tools predict that this variant is damaging.

Blueprint Genetics
Classification: Pathogenic for ITPR1-related disorders. Last evaluated: 2021-03-13. Review status: criteria provided, single submitter. Criteria: ACMG Guidelines, 2015. Collection method: clinical testing. Allele origin: germline. Affected: yes. Observed: 1 variant allele.

Molecular Medicine for Neurodegenerative and Neuromuscular Diseases Unit, IRCCS Fondazione Stella Maris
Classification: Pathogenic for Spinocerebellar ataxia type 29. Last evaluated: 2021-01-04. Review status: criteria provided, single submitter. Criteria: ACMG Guidelines, 2015. Collection method: research. Allele origin: unknown. Affected: yes.

Molecular Genetics Laboratory, BC Children's and BC Women's Hospitals
Classification: Pathogenic for ITPR1-associated cerebellar ataxia spectrum disorder. Last evaluated: 2017-12-15. Review status: no assertion criteria provided. Criteria: ACMG Guidelines, 2015. Collection method: clinical testing. Allele origin: de novo. Affected: yes. Not counted in ClinVar's aggregate classification.

Literature cited by the submitters: PubMed 28659154 (cited by 3billion); PubMed 33163565 (cited by 3billion and Athena Diagnostics); PubMed 27862915 (cited by 3billion).